The following is an entry in ClinVar:

NM_001101426.4(CRPPA):c.*1043C>G

Gene: CRPPA (CDP-L-ribitol pyrophosphorylase A; minus strand). Cytogenetic location: 7p21.2.
Variant type: single nucleotide variant.
Coding change: c.*1043C>G on transcript NM_001101426.4 (MANE Select); 1043 bases downstream of the stop codon, C replaced by G.
Molecular consequence: 3 prime UTR variant. On other transcripts: non-coding transcript variant (1).
Genome position (GRCh38, 1-based): chr7:16,090,652, G>C on the plus strand (C>G on the coding strand, the complement: CRPPA is on the minus strand). VCF-style: chr7-16090652-G-C. GRCh37 (hg19) VCF-style: chr7-16130277-G-C.
Other names: c.*1043C>G (NM_001101417.4, NM_001368197.1).
Identifiers: ClinVar variation 359565 (VCV000359565.5), dbSNP rs149771453, ClinGen allele CA10628787.
Genomic context (GRCh38, chr7:16,090,652, plus strand): 5'-AGGTGCCTGTAATCCCAGCTACTCGGGAGGCTGAGGGAGGATAATTGCTTAAACCCAGGA[G>C]GCAGAGGTTGCAGTCAGCTGAGATTGTGCCACTGCACTCCAGCCTGACAGAGGGCGACTG-3'

ClinVar aggregate classification (germline): Benign (1 of 4 stars; one submission).

Conditions:
Congenital Muscular Dystrophy, alpha-dystroglycan related.

Allele frequency attached by ClinVar (database versions not stated): TOPMed 0.04130; 1000 Genomes Project 0.04413; 1000 Genomes Project 30x 0.04575.

Submission:

Illumina Laboratory Services, Illumina
Classification: Benign for Congenital Muscular Dystrophy, alpha-dystroglycan related. Last evaluated: 2018-01-13. Review status: criteria provided, single submitter. Criteria: ICSL Variant Classification Criteria 13 December 2019. Collection method: clinical testing. Allele origin: germline.
Comment: This variant was observed in the ICSL laboratory as part of a predisposition screen in an ostensibly healthy population. It had not been previously curated by ICSL or reported in the Human Gene Mutation Database (HGMD: prior to June 1st, 2018), and was therefore a candidate for classification through an automated scoring system. Utilizing variant allele frequency, disease prevalence and penetrance estimates, and inheritance mode, an automated score was calculated to assess if this variant is too frequent to cause the disease. Based on the score and internal cut-off values, a variant classified as benign is not then subjected to further curation. The score for this variant resulted in a classification of benign for this disease.